The following is an entry in ClinVar:

NM_000081.4(LYST):c.10483T>A (p.Ser3495Thr)

Gene: LYST (lysosomal trafficking regulator; minus strand). Cytogenetic location: 1q42.3.
Variant type: single nucleotide variant.
Coding change: c.10483T>A on transcript NM_000081.4 (MANE Select); coding-DNA position 10483, T replaced by A.
Protein change: p.Ser3495Thr; replaces serine 3495 with threonine.
Molecular consequence: missense variant.
Genome position (GRCh38, 1-based): chr1:235,697,164, A>T on the plus strand (T>A on the coding strand, the complement: LYST is on the minus strand). VCF-style: chr1-235697164-A-T. GRCh37 (hg19) VCF-style: chr1-235860464-A-T.
Other names: c.10483T>A, p.Ser3495Thr (NM_001301365.1); short protein forms S3495T.
Identifiers: ClinVar variation 1524202 (VCV001524202.5), dbSNP rs1661179304, ClinGen allele CA344929031.

ClinVar aggregate classification (germline): Uncertain significance (1 of 4 stars; one submission).

Conditions:
Chédiak-Higashi syndrome (CHS). Also called: Chediak-Higashi Syndrome. Identifiers: Orphanet 167, MedGen C0007965, MONDO:0008963, OMIM 214500.

Submission:

Labcorp Genetics (formerly Invitae), Labcorp
Classification: Uncertain significance for Chédiak-Higashi syndrome. Last evaluated: 2021-11-05. Review status: criteria provided, single submitter. Criteria: Invitae Variant Classification Sherloc (09022015). Collection method: clinical testing. Allele origin: germline.
Comment: Algorithms developed to predict the effect of missense changes on protein structure and function are either unavailable or do not agree on the potential impact of this missense change (SIFT: "Deleterious"; PolyPhen-2: "Benign"; Align-GVGD: "Class C0"). In summary, the available evidence is currently insufficient to determine the role of this variant in disease. Therefore, it has been classified as a Variant of Uncertain Significance. This variant has not been reported in the literature in individuals affected with LYST-related conditions. This variant is not present in population databases (gnomAD no frequency). This sequence change replaces serine, which is neutral and polar, with threonine, which is neutral and polar, at codon 3495 of the LYST protein (p.Ser3495Thr).